The following is an entry in ClinVar:

NM_001365925.2(NLGN1):c.973G>A (p.Val325Ile)

Gene: NLGN1 (neuroligin 1; plus strand). Cytogenetic location: 3q26.31.
Variant type: single nucleotide variant.
Coding change: c.973G>A on transcript NM_001365925.2 (MANE Select); coding-DNA position 973, G replaced by A.
Protein change: p.Val325Ile; replaces valine 325 with isoleucine.
Molecular consequence: missense variant.
Genome position (GRCh38, 1-based): chr3:174,278,914, G>A. VCF-style: chr3-174278914-G-A. GRCh37 (hg19) VCF-style: chr3-173996704-G-A.
Other names: c.973G>A, p.Val325Ile (NM_001365923.2, NM_001365924.2, NM_001365926.2 and 2 more transcripts); c.913G>A, p.Val305Ile (NM_001365929.2, NM_001365930.2, NM_001365931.2 and 3 more transcripts); c.886G>A, p.Val296Ile (NM_001365934.2, NM_001365935.2, NM_001365936.2); c.913G>A (NM_014932.3); short protein forms V305I, V325I, V296I.
Identifiers: ClinVar variation 2210130 (VCV002210130.3), dbSNP rs147487792, ClinGen allele CA2708675.

ClinVar aggregate classification (germline): Uncertain significance. Review status: criteria provided, multiple submitters, no conflicts (2 of 4 stars). 2 submissions from 2 submitters: Uncertain significance (2). Last evaluated 2023-01-17.

Conditions:
Inborn genetic diseases. Identifiers: MedGen C0950123, MeSH D030342.
NLGN1-related disorder. Also called: NLGN1-related condition.

Allele frequency attached by ClinVar (database versions not stated): gnomAD 0.00003; ExAC 0.00005; TOPMed 0.00006; gnomAD exomes 0.00014; ESP Exome Variant Server 0.00015.
gnomAD v4.1: 187 of 1,514,650 alleles (0.012%); highest among the groups gnomAD compares: Non-Finnish European, 0.016%; 1 homozygote.

Submissions (2):

PreventionGenetics, part of Exact Sciences
Classification: Uncertain significance for NLGN1-related condition. Last evaluated: 2023-01-17. Review status: criteria provided, single submitter. Criteria: ACMG Guidelines, 2015. Collection method: clinical testing. Allele origin: germline.
Comment: The NLGN1 c.913G>A variant is predicted to result in the amino acid substitution p.Val305Ile. To our knowledge, this variant has not been reported in the literature. This variant is reported in 0.0088% of alleles in individuals of European (Non-Finnish) descent in gnomAD. At this time, the clinical significance of this variant is uncertain due to the absence of conclusive functional and genetic evidence.

Ambry Genetics
Classification: Uncertain significance for Inborn genetic diseases. Last evaluated: 2021-05-10. Review status: criteria provided, single submitter. Criteria: Ambry Variant Classification Scheme 2023. Collection method: clinical testing. Allele origin: germline.